The following is an entry in ClinVar:

ClinVar aggregate classification (germline): Pathogenic. Review status: criteria provided, multiple submitters, no conflicts (2 of 4 stars). 2 submissions from 2 submitters: Pathogenic (2). Last evaluated 2026-04-08.

Conditions:
Cardiovascular phenotype. Identifiers: MedGen CN230736.
Hereditary cancer-predisposing syndrome. Also called: Hereditary Cancer Syndrome; Neoplastic Syndromes, Hereditary; Tumor predisposition; Hereditary neoplastic syndrome. Identifiers: Orphanet 140162, MedGen C0027672, MeSH D009386, MONDO:0015356.
Neurofibromatosis, type 1 (NF1). Also called: Peripheral type neurofibromatosis; VON RECKLINGHAUSEN DISEASE; Neurofibromatosis, type I; NEUROFIBROMATOSIS, TYPE I, SOMATIC. Identifiers: Orphanet 636, MedGen C0027831, MONDO:0018975, OMIM 162200. Disease mechanism: loss of function.

Submissions (2):

Ambry Genetics
Classification: Pathogenic for Cardiovascular phenotype; Hereditary cancer-predisposing syndrome. Last evaluated: 2026-04-08. Review status: criteria provided, single submitter. Criteria: Ambry Variant Classification Scheme 2023. Collection method: clinical testing. Allele origin: germline.
Comment: The c.7389delC pathogenic mutation, located in coding exon 49 of the NF1 gene, results from a deletion of one nucleotide at nucleotide position 7389, causing a translational frameshift with a predicted alternate stop codon (p.Y2464Ifs*4). This variant was reported in individual(s) with features consistent with Neurofibromatosis type 1 (Ambry internal data). This variant is considered to be rare based on population cohorts in the Genome Aggregation Database (gnomAD). This variant is expected to result in loss of function by premature protein truncation or nonsense-mediated mRNA decay. As such, this variant is interpreted as a disease-causing mutation.

Genome Diagnostics Laboratory, The Hospital for Sick Children
Classification: Pathogenic for Neurofibromatosis, type 1. Last evaluated: 2020-10-26. Review status: criteria provided, single submitter. Criteria: ACMG Guidelines, 2015. Collection method: clinical testing. Allele origin: germline. Affected: yes.

NM_001042492.3(NF1):c.7452del (p.Tyr2485fs)

Gene: NF1 (neurofibromin 1; plus strand). Cytogenetic location: 17q11.2.
Variant type: Deletion.
Coding change: c.7452del on transcript NM_001042492.3 (MANE Select); coding-DNA position 7452, one base deleted (C; older notation c.7452delC).
Protein change: p.Tyr2485fs; shifts the reading frame from tyrosine 2485.
Molecular consequence: frameshift variant.
Genome position (GRCh38, 1-based): chr17:31,350,313, C deleted; the last of 2 consecutive C bases (chr17:31,350,312-31,350,313); deleting either gives the same sequence. VCF-style (leftmost placement, unchanged base first): chr17-31350311-TC-T. GRCh37 (hg19) VCF-style: chr17-29677329-TC-T.
Other names: c.7389delC (NM_000267.3); c.7389delC, p.Tyr2464Ilefs (NM_000267.4); short protein forms Y2464fs, Y2485fs.
Identifiers: ClinVar variation 996462 (VCV000996462.4), dbSNP rs2070108683, ClinGen allele CA2255608232.